The following is an entry in ClinVar:

ClinVar aggregate classification (germline): Pathogenic/Likely pathogenic. Review status: criteria provided, multiple submitters, no conflicts (2 of 4 stars). 4 submissions from 4 submitters: Pathogenic (1); Likely pathogenic (2). 1 of the submissions does not count toward it. Last evaluated 2024-07-02.

Conditions:
Aarskog syndrome (AAS). Also called: Aarskog Scott syndrome; Aarskog disease; Aarskog-Scott syndrome, X-linked; FGD1-Related Faciogenital Dysplasia (Aarskog-Scott Syndrome); FGDY. Identifiers: Orphanet 915, MedGen C0175701, MONDO:0010589, OMIM 305400.
FGD1-related disorder. Also called: FGD1-related condition; FGD1-related disorders.

Allele frequency attached by ClinVar (database versions not stated): TOPMed 0.00001; gnomAD 0.00005.

Submissions (4):

Blueprint Genetics
Classification: Likely pathogenic for FGD1-related disorders. Last evaluated: 2024-07-02. Review status: criteria provided, single submitter. Criteria: ACMG Guidelines, 2015. Collection method: clinical testing. Allele origin: germline. Affected: yes. Observed: 4 variant alleles.

Fulgent Genetics
Classification: Pathogenic for Aarskog syndrome. Last evaluated: 2022-05-08. Review status: criteria provided, single submitter. Criteria: ACMG Guidelines, 2015. Collection method: clinical testing. Allele origin: unknown.

Center for Human Genetics, Inc
Classification: Likely pathogenic for Aarskog syndrome. Last evaluated: 2016-11-01. Review status: criteria provided, single submitter. Criteria: ACMG Guidelines, 2015. Collection method: clinical testing. Allele origin: germline. Affected: yes.

PreventionGenetics, part of Exact Sciences
Classification: Likely pathogenic for FGD1-related condition. Last evaluated: 2024-09-03. Review status: no assertion criteria provided. Collection method: clinical testing. Allele origin: germline. Not counted in ClinVar's aggregate classification.
Comment: The FGD1 c.2728C>T variant is predicted to result in premature protein termination (p.Arg910*). To our knowledge, this variant has not been reported in the literature. This variant is reported in 0.0093% of alleles in individuals of European (non-Finnish) descent in gnomAD. This variant is located at the terminal exon in FGD1; however, a downstream truncating variant c.2761C>T (p.Arg921*) has been documented in two unrelated individuals with Aarskog-Scott syndrome, including one de novo case (Griffin et al. 2016. PubMed ID: 27551683; Meyer et al. 2021. PubMed ID: 33482836). Taken together, the c.2728C>T (p.Arg910*) variant is interpreted as likely pathogenic.

NM_004463.3(FGD1):c.2728C>T (p.Arg910Ter)

Genes: FGD1 (FYVE, RhoGEF and PH domain containing 1; minus strand), TSR2 (TSR2 ribosome maturation factor; plus strand). Cytogenetic location: Xp11.22.
Variant type: single nucleotide variant.
Coding change: c.2728C>T on transcript NM_004463.3 (MANE Select); coding-DNA position 2728, C replaced by T.
Protein change: p.Arg910Ter; replaces arginine 910 with a stop codon.
Molecular consequence: nonsense. On other transcripts: 3 prime UTR variant (5).
Genome position (GRCh38, 1-based): chrX:54,446,267, G>A on the plus strand (C>T on the coding strand, the complement: FGD1 is on the minus strand). VCF-style: chrX-54446267-G-A. GRCh37 (hg19) VCF-style: chrX-54472700-G-A.
Other names: c.*1717G>A (NM_001346789.2, NM_001346790.2, NM_001346791.2 and 2 more transcripts); short protein forms R910*.
Identifiers: ClinVar variation 547370 (VCV000547370.5), dbSNP rs1269514277, ClinGen allele CA413358006.
Genomic context (GRCh38, chrX:54,446,267, plus strand): 5'-TGGGCCCCGGGCAGAACGTGTCCCCTCGGCCCGCCCGGCCAAGCACAGCCATCCAGCGTC[G>A]CTGTAGTTCCTCTGTCTCAGGGCTGAAGTACCAGCTGAGGTGGCTCTGGGTGATCTTGAA-3'